The following is an entry in ClinVar:

NC_000005.10:g.(?_112815478)_(112844126_?)del

Gene: APC (APC regulator of Wnt signaling pathway; plus strand). Cytogenetic location: 5q22.2.
Variant type: Deletion.
Identifiers: ClinVar variation 831864 (VCV000831864.5).

ClinVar aggregate classification (germline): Pathogenic. Review status: criteria provided, single submitter (1 of 4 stars). 2 submissions from 1 submitter: Pathogenic (1). 1 of the submissions does not count toward it. Last evaluated 2023-05-30.

Conditions:
Familial adenomatous polyposis 1 (FAP1). Also called: POLYPOSIS, ADENOMATOUS INTESTINAL; FAMILIAL ADENOMATOUS POLYPOSIS 1, ATTENUATED. Identifiers: MedGen C2713442, MONDO:0021056, OMIM 175100. Disease mechanism: loss of function.

Submissions (2):

Labcorp Genetics (formerly Invitae), Labcorp
Classification: Pathogenic for Familial adenomatous polyposis 1. Last evaluated: 2023-05-30. Review status: criteria provided, single submitter. Criteria: Invitae Variant Classification Sherloc (09022015). Collection method: clinical testing. Allele origin: germline.
Comment: This variant disrupts a region of the APC protein in which other variant(s) (p.Tyr2645Lysfs*14) have been determined to be pathogenic (PMID: 1316610, 8381579, 9824584, 22135120). This suggests that this is a clinically significant region of the protein, and that variants that disrupt it are likely to be disease-causing. This variant has not been reported in the literature in individuals affected with APC-related conditions. This variant is a gross deletion of the genomic region encompassing exon(s) 9-16 of the APC gene, which includes the termination codon. This deletion extends beyond the assayed region for this gene and therefore may encompass additional genes. While this deletion is not anticipated to lead to nonsense mediated decay, it is expected to alter mRNA translation or result in a truncated protein product. For these reasons, this variant has been classified as Pathogenic.

Labcorp Genetics (formerly Invitae), Labcorp
Classification: Pathogenic for Familial adenomatous polyposis 1. Last evaluated: 2019-09-09. Review status: flagged submission. Criteria: Invitae Variant Classification Sherloc (09022015). Collection method: clinical testing. Allele origin: germline. Not counted in ClinVar's aggregate classification.
Comment: This variant is a gross deletion of the genomic region encompassing exons 9-16 of the APC gene. The 5' boundary is likely confined to intron 8. The 3' end of this event is unknown as it extends through the termination codon beyond the assayed region for this gene and may encompass additional genes. While this deletion is not anticipated to result in nonsense mediated decay, it is expected to create a truncated protein product or disrupt mRNA translation. This variant has not been reported in the literature in individuals with APC-related conditions. This variant disrupts the C-terminus of the APC protein. Other variant(s) that disrupt this region (p.Tyr2645Lysfs*14) have been determined to be pathogenic (PMID: 1316610, 8381579, 9824584, 22135120). This suggests that variants that disrupt this region of the protein are likely to be causative of disease. For these reasons, this variant has been classified as Pathogenic.
ClinVar note: Reason: This record appears to be redundant with a more recent record from the same submitter.
ClinVar note: Notes: SCV001195698 appears to be redundant with SCV002231860.

Literature cited by the submitters: PubMed 1316610; PubMed 8381579; PubMed 9824584; PubMed 22135120.